The following is an entry in ClinVar:

NM_000322.5(PRPH2):c.498C>A (p.Cys166Ter)

Gene: PRPH2 (peripherin 2; minus strand). Cytogenetic location: 6p21.1.
Variant type: single nucleotide variant.
Coding change: c.498C>A on transcript NM_000322.5 (MANE Select); coding-DNA position 498, C replaced by A.
Protein change: p.Cys166Ter; replaces cysteine 166 with a stop codon.
Molecular consequence: nonsense.
Genome position (GRCh38, 1-based): chr6:42,721,837, G>T on the plus strand (C>A on the coding strand, the complement: PRPH2 is on the minus strand). VCF-style: chr6-42721837-G-T. GRCh37 (hg19) VCF-style: chr6-42689575-G-T.
Other names: short protein forms C166*.
Identifiers: ClinVar variation 931938 (VCV000931938.6), dbSNP rs759752477, ClinGen allele CA364137422.

ClinVar aggregate classification (germline): Pathogenic. Review status: criteria provided, multiple submitters, no conflicts (2 of 4 stars). 2 submissions from 2 submitters: Pathogenic (2). Last evaluated 2023-02-19.

Conditions:
PRPH2-related disorder. Also called: PRPH2-related condition; PRPH2-related disorders. Identifiers: MedGen CN239395.
Pigmentary retinal dystrophy. Also called: Fundus albipunctatus. Identifiers: Orphanet 227796, Orphanet 52427, MedGen C0311338, MONDO:0007639, OMIM 136880, HP:0030642.

Submissions (2):

Labcorp Genetics (formerly Invitae), Labcorp
Classification: Pathogenic for PRPH2-related disorder. Last evaluated: 2023-02-19. Review status: criteria provided, single submitter. Criteria: Invitae Variant Classification Sherloc (09022015). Collection method: clinical testing. Allele origin: germline.
Comment: This variant is not present in population databases (gnomAD no frequency). This sequence change creates a premature translational stop signal (p.Cys166*) in the PRPH2 gene. It is expected to result in an absent or disrupted protein product. Loss-of-function variants in PRPH2 are known to be pathogenic (PMID: 8111389, 8485575, 8485576, 8675410, 16916875, 17504850, 22863181, 25675413, 26061163, 27365499, 29555955, 33546218). This variant has not been reported in the literature in individuals affected with PRPH2-related conditions. ClinVar contains an entry for this variant (Variation ID: 931938). For these reasons, this variant has been classified as Pathogenic.

Centre for Mendelian Genomics, University Medical Centre Ljubljana
Classification: Pathogenic for Pigmentary retinal dystrophy. Last evaluated: 2018-11-12. Review status: criteria provided, single submitter. Criteria: ACMG Guidelines, 2015. Collection method: clinical testing. Allele origin: unknown. Affected: yes.
Comment: This variant was classified as: Pathogenic. The following ACMG criteria were applied in classifying this variant: PVS1,PP1,PM2,PP3.

Literature cited by the submitters: PubMed 8111389 (cited by Labcorp Genetics (formerly Invitae), Labcorp); PubMed 8485575 (cited by Labcorp Genetics (formerly Invitae), Labcorp); PubMed 8485576 (cited by Labcorp Genetics (formerly Invitae), Labcorp); PubMed 8675410 (cited by Labcorp Genetics (formerly Invitae), Labcorp); PubMed 16916875 (cited by Labcorp Genetics (formerly Invitae), Labcorp); PubMed 17504850 (cited by Labcorp Genetics (formerly Invitae), Labcorp); PubMed 22863181 (cited by Labcorp Genetics (formerly Invitae), Labcorp); PubMed 25675413 (cited by Labcorp Genetics (formerly Invitae), Labcorp); PubMed 26061163 (cited by Labcorp Genetics (formerly Invitae), Labcorp); PubMed 27365499 (cited by Labcorp Genetics (formerly Invitae), Labcorp); PubMed 29555955 (cited by Labcorp Genetics (formerly Invitae), Labcorp); PubMed 33546218 (cited by Labcorp Genetics (formerly Invitae), Labcorp).